The following is an entry in ClinVar:

ClinVar aggregate classification (germline): Uncertain significance (1 of 4 stars; one submission).

Submission:

Labcorp Genetics (formerly Invitae), Labcorp
Classification: Uncertain significance. Last evaluated: 2024-02-24. Review status: criteria provided, single submitter. Criteria: Invitae Variant Classification Sherloc (09022015). Collection method: clinical testing. Allele origin: germline.
Comment: This sequence change replaces methionine, which is neutral and non-polar, with valine, which is neutral and non-polar, at codon 3147 of the UNC80 protein (p.Met3147Val). This variant is not present in population databases (gnomAD no frequency). This variant has not been reported in the literature in individuals affected with UNC80-related conditions. ClinVar contains an entry for this variant (Variation ID: 1981869). Advanced modeling of protein sequence and biophysical properties (such as structural, functional, and spatial information, amino acid conservation, physicochemical variation, residue mobility, and thermodynamic stability) performed at Invitae indicates that this missense variant is not expected to disrupt UNC80 protein function with a negative predictive value of 80%. In summary, the available evidence is currently insufficient to determine the role of this variant in disease. Therefore, it has been classified as a Variant of Uncertain Significance.

NM_001371986.1(UNC80):c.9637A>G (p.Met3213Val)

Gene: UNC80 (unc-80 subunit of NALCN channel complex; plus strand). Cytogenetic location: 2q34.
Variant type: single nucleotide variant.
Coding change: c.9637A>G on transcript NM_001371986.1 (MANE Select); coding-DNA position 9637, A replaced by G.
Protein change: p.Met3213Val; replaces methionine 3213 with valine.
Molecular consequence: missense variant.
Genome position (GRCh38, 1-based): chr2:209,994,193, A>G. VCF-style: chr2-209994193-A-G. GRCh37 (hg19) VCF-style: chr2-210858917-A-G.
Other names: c.9439A>G, p.Met3147Val (NM_032504.2); c.9367A>G, p.Met3123Val (NM_182587.4); short protein forms M3147V, M3213V, M3123V.
Identifiers: ClinVar variation 1981869 (VCV001981869.4), dbSNP rs2093443850, ClinGen allele CA350415949.
Genomic context (GRCh38, chr2:209,994,193, plus strand): 5'-CTTCCTGCAACAGGCCAACTACAGGGCTGTAGCCCAGCCCCTTCTAGGAAACCAGAAGCA[A>G]TGGACGAACCAGTCCTCACATCTTCTCCCGCCATAGTTGTTGCGGATCTCCACAGCGTGT-3'
Protein context (NP_001358915.1, residues 3203-3223): SPAPSRKPEA[Met3213Val]DEPVLTSSPA